The following is an entry in ClinVar:

NM_000287.4(PEX6):c.1181A>G (p.Asp394Gly)

Gene: PEX6 (peroxisomal biogenesis factor 6; minus strand). Cytogenetic location: 6p21.1.
Variant type: single nucleotide variant.
Coding change: c.1181A>G on transcript NM_000287.4 (MANE Select); coding-DNA position 1181, A replaced by G.
Protein change: p.Asp394Gly; replaces aspartic acid 394 with glycine.
Molecular consequence: missense variant. On other transcripts: non-coding transcript variant (1).
Genome position (GRCh38, 1-based): chr6:42,969,937, T>C on the plus strand (A>G on the coding strand, the complement: PEX6 is on the minus strand). VCF-style: chr6-42969937-T-C. GRCh37 (hg19) VCF-style: chr6-42937675-T-C.
Other names: c.917A>G, p.Asp306Gly (NM_001316313.2); short protein forms D394G, D306G.
Identifiers: ClinVar variation 2164774 (VCV002164774.3), dbSNP rs748155406, ClinGen allele CA3811418.

ClinVar aggregate classification (germline): Uncertain significance (1 of 4 stars; one submission).

Conditions:
Peroxisome biogenesis disorder. Identifiers: Orphanet 79189, MedGen C1832200, MONDO:0019234. Disease mechanism: loss of function.

Allele frequency attached by ClinVar (database versions not stated): gnomAD exomes below 0.00001; ExAC 0.00001; TOPMed 0.00001.
gnomAD v4.1: 1 of 1,614,218 alleles (0.000062%); highest among the groups gnomAD compares: African/African-American, 0.0013%; no homozygotes.

Submission:

Labcorp Genetics (formerly Invitae), Labcorp
Classification: Uncertain significance for Peroxisome biogenesis disorder. Last evaluated: 2025-05-08. Review status: criteria provided, single submitter. Criteria: Invitae Variant Classification Sherloc (09022015). Collection method: clinical testing. Allele origin: germline.
Comment: This sequence change replaces aspartic acid, which is acidic and polar, with glycine, which is neutral and non-polar, at codon 394 of the PEX6 protein (p.Asp394Gly). This variant is present in population databases (rs748155406, gnomAD 0.007%). This variant has not been reported in the literature in individuals affected with PEX6-related conditions. ClinVar contains an entry for this variant (Variation ID: 2164774). Invitae Evidence Modeling of protein sequence and biophysical properties (such as structural, functional, and spatial information, amino acid conservation, physicochemical variation, residue mobility, and thermodynamic stability) indicates that this missense variant is not expected to disrupt PEX6 protein function with a negative predictive value of 95%. In summary, the available evidence is currently insufficient to determine the role of this variant in disease. Therefore, it has been classified as a Variant of Uncertain Significance.